The following is an entry in ClinVar:

ClinVar aggregate classification (germline): Uncertain significance (1 of 4 stars; one submission).

Submission:

Labcorp Genetics (formerly Invitae), Labcorp
Classification: Uncertain significance. Last evaluated: 2020-12-21. Review status: criteria provided, single submitter. Criteria: Invitae Variant Classification Sherloc (09022015). Collection method: clinical testing. Allele origin: germline.
Comment: This sequence change replaces lysine with methionine at codon 116 of the CARMIL2 protein (p.Lys116Met). The lysine residue is moderately conserved and there is a moderate physicochemical difference between lysine and methionine. In summary, the available evidence is currently insufficient to determine the role of this variant in disease. Therefore, it has been classified as a Variant of Uncertain Significance. Algorithms developed to predict the effect of missense changes on protein structure and function are either unavailable or do not agree on the potential impact of this missense change (SIFT: "Deleterious"; PolyPhen-2: "Benign"; Align-GVGD: "Class C0"). This variant has not been reported in the literature in individuals with CARMIL2-related conditions. This variant is not present in population databases (ExAC no frequency).

NM_001013838.3(CARMIL2):c.347A>T (p.Lys116Met)

Gene: CARMIL2 (capping protein regulator and myosin 1 linker 2; plus strand). Cytogenetic location: 16q22.1.
Variant type: single nucleotide variant.
Coding change: c.347A>T on transcript NM_001013838.3 (MANE Select); coding-DNA position 347, A replaced by T.
Protein change: p.Lys116Met; replaces lysine 116 with methionine.
Molecular consequence: missense variant.
Genome position (GRCh38, 1-based): chr16:67,646,283, A>T. VCF-style: chr16-67646283-A-T. GRCh37 (hg19) VCF-style: chr16-67680186-A-T.
Other names: c.347A>T, p.Lys116Met (NM_001317026.3); short protein forms K116M.
Identifiers: ClinVar variation 1510207 (VCV001510207.8), dbSNP rs761403215, ClinGen allele CA396330984.